The following is an entry in ClinVar:

ClinVar aggregate classification (germline): Uncertain significance. Review status: criteria provided, multiple submitters, no conflicts (2 of 4 stars). 3 submissions from 3 submitters: Uncertain significance (3). Last evaluated 2025-08-14.

Conditions:
Epidermolysis bullosa simplex 5B, with muscular dystrophy (EBS5B). Also called: EPIDERMOLYSIS BULLOSA SIMPLEX AND LIMB-GIRDLE MUSCULAR DYSTROPHY; Epidermolysis bullosa simplex with muscular dystrophy. Identifiers: Orphanet 257, MedGen C2931072, MONDO:0009181, OMIM 226670.
Epidermolysis bullosa simplex, Ogna type (EBS5A). Also called: EPIDERMOLYSIS BULLOSA SIMPLEX 5A, OGNA TYPE; Pidermolysis bullosa simplex 5A, Ogna type. Identifiers: Orphanet 79401, MedGen C0432317, MONDO:0007555, OMIM 131950.
Epidermolysis bullosa simplex 5C, with pyloric atresia (EBS5C). Also called: PLEC1-Related Epidermolysis Bullosa with Pyloric Atresia; PLEC-Related Epidermolysis Bullosa with Pyloric Atresia; Epidermolysis bullosa simplex with pyloric atresia. Identifiers: Orphanet 158684, MedGen C2677349, MONDO:0012807, OMIM 612138.
Epidermolysis bullosa simplex with nail dystrophy (EBS5D). Identifiers: MedGen C4225309, MONDO:0014661, OMIM 616487.
Autosomal recessive limb-girdle muscular dystrophy type 2Q (LGMDR17). Also called: MUSCULAR DYSTROPHY, LIMB-GIRDLE, AUTOSOMAL RECESSIVE 17. Identifiers: Orphanet 254361, MedGen C3150989, MONDO:0013390, OMIM 613723.
Inborn genetic diseases. Identifiers: MedGen C0950123, MeSH D030342.

Allele frequency attached by ClinVar (database versions not stated): gnomAD exomes 0.00002; gnomAD 0.00001; ExAC 0.00002.
gnomAD v4.1: 35 of 1,597,170 alleles (0.0022%); highest among the groups gnomAD compares: Admixed American, 0.005%; no homozygotes.

Submissions (3):

Ambry Genetics
Classification: Uncertain significance for Inborn genetic diseases. Last evaluated: 2025-08-14. Review status: criteria provided, single submitter. Criteria: Ambry Variant Classification Scheme 2023. Collection method: clinical testing. Allele origin: germline.

Labcorp Genetics (formerly Invitae), Labcorp
Classification: Uncertain significance for Autosomal recessive limb-girdle muscular dystrophy type 2Q; Epidermolysis bullosa simplex, Ogna type; Epidermolysis bullosa simplex with nail dystrophy; Epidermolysis bullosa simplex 5C, with pyloric atresia; Epidermolysis bullosa simplex 5B, with muscular dystrophy. Last evaluated: 2022-07-19. Review status: criteria provided, single submitter. Criteria: Invitae Variant Classification Sherloc (09022015). Collection method: clinical testing. Allele origin: germline.
Comment: In summary, the available evidence is currently insufficient to determine the role of this variant in disease. Therefore, it has been classified as a Variant of Uncertain Significance. Algorithms developed to predict the effect of missense changes on protein structure and function are either unavailable or do not agree on the potential impact of this missense change (SIFT: "Deleterious"; PolyPhen-2: "Not Available"; Align-GVGD: "Class C25"). ClinVar contains an entry for this variant (Variation ID: 448061). This variant has not been reported in the literature in individuals affected with PLEC-related conditions. This variant is present in population databases (rs782011338, gnomAD 0.008%). This sequence change replaces arginine, which is basic and polar, with histidine, which is basic and polar, at codon 1240 of the PLEC protein (p.Arg1240His).

Athena Diagnostics
Classification: Uncertain significance. Last evaluated: 2016-08-30. Review status: criteria provided, single submitter. Criteria: Athena Diagnostics Criteria. Collection method: clinical testing. Allele origin: germline.

NM_201384.3(PLEC):c.3638G>A (p.Arg1213His)

Gene: PLEC (plectin; minus strand). Cytogenetic location: 8q24.3.
Variant type: single nucleotide variant.
Coding change: c.3638G>A on transcript NM_201384.3 (MANE Select); coding-DNA position 3638, G replaced by A.
Protein change: p.Arg1213His; replaces arginine 1213 with histidine.
Molecular consequence: missense variant.
Genome position (GRCh38, 1-based): chr8:143,927,528, C>T on the plus strand (G>A on the coding strand, the complement: PLEC is on the minus strand). VCF-style: chr8-143927528-C-T. GRCh37 (hg19) VCF-style: chr8-145001696-C-T.
Other names: c.3719G>A, p.Arg1240His (NM_000445.5); c.3596G>A, p.Arg1199His (NM_201378.4); c.3572G>A, p.Arg1191His (NM_201379.3); c.4049G>A, p.Arg1350His (NM_201380.4); c.3542G>A, p.Arg1181His (NM_201381.3); c.3638G>A, p.Arg1213His (NM_201382.4); c.3650G>A, p.Arg1217His (NM_201383.3); short protein forms R1181H, R1191H, R1199H, R1213H, R1217H, R1240H, R1350H.
Identifiers: ClinVar variation 448061 (VCV000448061.10), dbSNP rs782011338, ClinGen allele CA4926998.